The following is an entry in ClinVar:

ClinVar aggregate classification (germline): Likely benign. Review status: criteria provided, multiple submitters, no conflicts (2 of 4 stars). 2 submissions from 2 submitters: Likely benign (2). Last evaluated 2018-06-19.

Allele frequency attached by ClinVar (database versions not stated): gnomAD exomes 0.00080 and 0.00160; ExAC 0.00183; gnomAD 0.00395 and 0.00422; 1000 Genomes Project 0.00399; 1000 Genomes Project 30x 0.00453; ESP Exome Variant Server 0.00454; TOPMed 0.00458.
gnomAD v4.1: 1,852 of 1,607,880 alleles (0.12%); highest among the groups gnomAD compares: African/African-American, 1.2%; 12 homozygotes.

Submissions (2):

GeneDx
Classification: Likely benign. Last evaluated: 2018-06-19. Review status: criteria provided, single submitter. Criteria: GeneDx Variant Classification (06012015). Collection method: clinical testing. Allele origin: germline. Affected: yes.
Comment: This variant is considered likely benign or benign based on one or more of the following criteria: it is a conservative change, it occurs at a poorly conserved position in the protein, it is predicted to be benign by multiple in silico algorithms, and/or has population frequency not consistent with disease.

Breakthrough Genomics
Classification: Likely benign. Review status: criteria provided, single submitter. Criteria: ACMG Guidelines, 2015. Collection method: not provided. Allele origin: germline. Inheritance: Autosomal recessive inheritance. Affected: yes.

NM_020297.4(ABCC9):c.3097-42T>C

Gene: ABCC9 (ATP binding cassette subfamily C member 9; minus strand). Cytogenetic location: 12p12.1.
Variant type: single nucleotide variant.
Coding change: c.3097-42T>C on transcript NM_020297.4 (MANE Select); 42 bases into the intron before coding-DNA position 3097, T replaced by C.
Molecular consequence: intron variant.
Genome position (GRCh38, 1-based): chr12:21,844,957, A>G on the plus strand (T>C on the coding strand, the complement: ABCC9 is on the minus strand). VCF-style: chr12-21844957-A-G. GRCh37 (hg19) VCF-style: chr12-21997891-A-G.
Other names: c.2230-42T>C (NM_001377274.1); c.3097-42T>C (NM_005691.4, NM_001377273.1).
Identifiers: ClinVar variation 675708 (VCV000675708.2), dbSNP rs116694572, ClinGen allele CA6481204.